The following is an entry in ClinVar:

ClinVar aggregate classification (germline): Likely benign (1 of 4 stars; one submission).

Submission:

CeGaT Center for Human Genetics Tuebingen
Classification: Likely benign. Last evaluated: 2026-04-01. Review status: criteria provided, single submitter. Criteria: CeGaT Center For Human Genetics Tuebingen Variant Classification Criteria Version 2. Collection method: clinical testing. Allele origin: germline. Affected: yes. Observed: 1 variant allele.
Comment: CHRNA7: BP4, BP7

NM_000746.6(CHRNA7):c.750G>A (p.Leu250=)

Gene: CHRNA7 (cholinergic receptor nicotinic alpha 7 subunit). Cytogenetic location: 15q13.3.
Variant type: single nucleotide variant.
Coding change: c.750G>A on transcript NM_000746.6 (MANE Select); coding-DNA position 750, G replaced by A.
Protein change: p.Leu250=; no amino-acid change (leucine 250 retained).
Molecular consequence: synonymous variant. On other transcripts: non-coding transcript variant (1).
Genome position (GRCh38, 1-based): chr15:32,158,563, G>A. VCF-style: chr15-32158563-G-A. GRCh37 (hg19) VCF-style: chr15-32450764-G-A.
Other names: c.837G>A, p.Leu279= (NM_001190455.3).
Identifiers: ClinVar variation 4872969 (VCV004872969.2).